The following is an entry in ClinVar:

ClinVar aggregate classification (germline): Pathogenic (1 of 4 stars; one submission).

Conditions:
Mosaic variegated aneuploidy syndrome 1 (MVA1). Also called: Warburton-Anyane-Yeboa syndrome. Identifiers: Orphanet 1052, MedGen C1850343, MONDO:0009759, OMIM 257300.

Submission:

Labcorp Genetics (formerly Invitae), Labcorp
Classification: Pathogenic for Mosaic variegated aneuploidy syndrome 1. Last evaluated: 2022-10-22. Review status: criteria provided, single submitter. Criteria: Invitae Variant Classification Sherloc (09022015). Collection method: clinical testing. Allele origin: unknown.
Comment: For these reasons, this variant has been classified as Pathogenic. This variant has not been reported in the literature in individuals affected with BUB1B-related conditions. This variant is a gross deletion of the genomic region encompassing exon(s) 16-18 of the BUB1B gene. This deletion is out-of-frame, and is expected to create a premature termination codon and result in an absent or disrupted protein product. Loss-of-function variants in BUB1B are known to be pathogenic (PMID: 15475955, 21190457).

Literature cited by the submitters: PubMed 15475955; PubMed 21190457.

NC_000015.9:g.(?_40500828)_(40502421_?)del

Gene: BUB1B (BUB1 mitotic checkpoint serine/threonine kinase B; plus strand). Cytogenetic location: 15q15.1.
Variant type: Deletion.
Identifiers: ClinVar variation 3243778 (VCV003243778.1).